The following is an entry in ClinVar:

NM_024928.5(STN1):c.691A>C (p.Met231Leu)

Gene: STN1 (STN1 subunit of CST complex; minus strand). Cytogenetic location: 10q24.33.
Variant type: single nucleotide variant.
Coding change: c.691A>C on transcript NM_024928.5 (MANE Select); coding-DNA position 691, A replaced by C.
Protein change: p.Met231Leu; replaces methionine 231 with leucine.
Molecular consequence: missense variant.
Genome position (GRCh38, 1-based): chr10:103,897,610, T>G on the plus strand (A>C on the coding strand, the complement: STN1 is on the minus strand). VCF-style: chr10-103897610-T-G. GRCh37 (hg19) VCF-style: chr10-105657368-T-G.
Other names: short protein forms M231L.
Identifiers: ClinVar variation 1351719 (VCV001351719.8), dbSNP rs768664563, ClinGen allele CA5676542.

ClinVar aggregate classification (germline): Uncertain significance (1 of 4 stars; one submission).

Allele frequency attached by ClinVar (database versions not stated): ExAC 0.00001; gnomAD exomes 0.00001.
gnomAD v4.1: 9 of 1,614,164 alleles (0.00056%); highest among the groups gnomAD compares: South Asian, 0.0099%; no homozygotes.

Submission:

Labcorp Genetics (formerly Invitae), Labcorp
Classification: Uncertain significance. Last evaluated: 2021-05-10. Review status: criteria provided, single submitter. Criteria: Invitae Variant Classification Sherloc (09022015). Collection method: clinical testing. Allele origin: germline.
Comment: This sequence change replaces methionine with leucine at codon 231 of the STN1 protein (p.Met231Leu). The methionine residue is weakly conserved and there is a small physicochemical difference between methionine and leucine. This variant is present in population databases (rs768664563, ExAC 0.006%). This variant has not been reported in the literature in individuals with STN1-related conditions. Algorithms developed to predict the effect of missense changes on protein structure and function (SIFT, PolyPhen-2, Align-GVGD) all suggest that this variant is likely to be tolerated, but these predictions have not been confirmed by published functional studies and their clinical significance is uncertain. In summary, the available evidence is currently insufficient to determine the role of this variant in disease. Therefore, it has been classified as a Variant of Uncertain Significance.